The following is an entry in ClinVar:

NM_013975.4(LIG3):c.535del (p.Gln179fs)

Gene: LIG3 (DNA ligase 3; plus strand). Cytogenetic location: 17q12.
Variant type: Deletion.
Coding change: c.535del on transcript NM_013975.4 (MANE Select); coding-DNA position 535, one base deleted (C; older notation c.535delC).
Protein change: p.Gln179fs; shifts the reading frame from glutamine 179.
Molecular consequence: frameshift variant.
Genome position (GRCh38, 1-based): chr17:34,983,540, C deleted; the last of 3 consecutive C bases (chr17:34,983,538-34,983,540); deleting any one gives the same sequence. VCF-style (leftmost placement, unchanged base first): chr17-34983537-AC-A. GRCh37 (hg19) VCF-style: chr17-33310556-AC-A.
Other names: c.535del, p.Gln179fs (NM_002311.5); short protein forms Q179fs.
Identifiers: ClinVar variation 4056583 (VCV004056583.3).

ClinVar aggregate classification (germline): Conflicting classifications of pathogenicity. Review status: criteria provided, conflicting classifications (1 of 4 stars). 2 submissions from 2 submitters: Likely pathogenic (1); Uncertain significance (1). Last evaluated 2025-08-10.

Conditions:
Mitochondrial DNA depletion syndrome 20 (mngie type). Also called: MITOCHONDRIAL NEUROGASTROINTESTINAL ENCEPHALOMYOPATHY SYNDROME, LIG3-RELATED. Identifiers: MedGen C5676934, MONDO:0030696, OMIM 619780.

Submissions (2):

Dasa
Classification: Uncertain significance. Last evaluated: 2025-08-10. Review status: criteria provided, single submitter. Criteria: DASA Assertion Criteria. Collection method: clinical testing. Allele origin: germline.
Comment: NM_013975.4(LIG3):c.535del (p.Gln179Serfs*24) is a frameshift variant in LIG3 predicted to alter the reading frame and introduce a premature termination codon. This variant is absent from population databases. The currently available literature and clinical evidence are not sufficient to establish a definitive association between this variant and the reported condition. Therefore, this variant is classified as a variant of uncertain significance.

Laboratorio de Genetica e Diagnostico Molecular, Hospital Israelita Albert Einstein
Classification: Likely pathogenic for Mitochondrial DNA depletion syndrome 20 (mngie type). Last evaluated: 2025-04-28. Review status: criteria provided, single submitter. Criteria: ACMG Guidelines, 2015. Collection method: clinical testing. Allele origin: germline. Affected: yes.
Comment: ACMG classification criteria: PVS1 very strong, PM2 supporting